The following is an entry in ClinVar:

NM_018191.4(RCBTB1):c.514C>T (p.Arg172Ter)

Gene: RCBTB1 (RCC1 and BTB domain containing protein 1; minus strand). Cytogenetic location: 13q14.2.
Variant type: single nucleotide variant.
Coding change: c.514C>T on transcript NM_018191.4 (MANE Select); coding-DNA position 514, C replaced by T.
Protein change: p.Arg172Ter; replaces arginine 172 with a stop codon.
Molecular consequence: nonsense. On other transcripts: 5 prime UTR variant (1), non-coding transcript variant (2).
Genome position (GRCh38, 1-based): chr13:49,555,604, G>A on the plus strand (C>T on the coding strand, the complement: RCBTB1 is on the minus strand). VCF-style: chr13-49555604-G-A. GRCh37 (hg19) VCF-style: chr13-50129740-G-A.
Other names: c.514C>T, p.Arg172Ter (NM_001352500.2, NM_001352501.2, NM_001352502.2 and 3 more transcripts); c.-66C>T (NM_001352506.2); short protein forms R172*.
Identifiers: ClinVar variation 1960457 (VCV001960457.7), dbSNP rs372094611, ClinGen allele CA6982857.
Genomic context (GRCh38, chr13:49,555,604, plus strand): 5'-AAGTCTGACCACAGGCAATGCCAACTACCCTCTTAATATGTAAACAGTTTGTAACTTTTC[G>A]AGGAGTTGGTTGATTTGCTGTAGAACCTGATCCCACTTGGCCACAGTTGTTATAACCCCA-3'

ClinVar aggregate classification (germline): Conflicting classifications of pathogenicity. Review status: criteria provided, conflicting classifications (1 of 4 stars). 3 submissions from 3 submitters: Pathogenic (1); Likely pathogenic (1); Uncertain significance (1). Last evaluated 2024-05-06.

Conditions:
RCBTB1-related retinopathy. Also called: Retinal dystrophy with or without extraocular anomalies. Identifiers: MedGen C4310680, MONDO:0014955, OMIM 617175.

Allele frequency attached by ClinVar (database versions not stated): TOPMed below 0.00001; gnomAD exomes 0.00002; ExAC 0.00004; ESP Exome Variant Server 0.00008.
gnomAD v4.1: 28 of 1,613,132 alleles (0.0017%); highest among the groups gnomAD compares: Admixed American, 0.0033%; no homozygotes.

Submissions (3):

Labcorp Genetics (formerly Invitae), Labcorp
Classification: Pathogenic. Last evaluated: 2024-05-06. Review status: criteria provided, single submitter. Criteria: Invitae Variant Classification Sherloc (09022015). Collection method: clinical testing. Allele origin: germline.
Comment: This sequence change creates a premature translational stop signal (p.Arg172*) in the RCBTB1 gene. It is expected to result in an absent or disrupted protein product. Loss-of-function variants in RCBTB1 are known to be pathogenic (PMID: 31494449). This variant is present in population databases (rs372094611, gnomAD 0.009%). This variant has not been reported in the literature in individuals affected with RCBTB1-related conditions. ClinVar contains an entry for this variant (Variation ID: 1960457). For these reasons, this variant has been classified as Pathogenic.

Blueprint Genetics
Classification: Uncertain significance. Last evaluated: 2021-08-19. Review status: criteria provided, single submitter. Criteria: ACMG Guidelines, 2015. Collection method: clinical testing. Allele origin: germline.

Juno Genomics, Hangzhou Juno Genomics, Inc
Classification: Likely pathogenic for RCBTB1-related retinopathy. Review status: criteria provided, single submitter. Criteria: ACMG Guidelines, 2015. Collection method: clinical testing. Allele origin: germline.
Comment: Null variant in a gene where loss of function (LOF) is a known mechanism of disease.;Absent from controls (or at extremely low frequency if recessive) in Genome Aggregation Database.

Literature cited by the submitters: PubMed 31494449 (cited by Labcorp Genetics (formerly Invitae), Labcorp).